The following is an entry in ClinVar:

NM_004928.3(CFAP410):c.349C>T (p.Arg117Cys)

Gene: CFAP410 (cilia and flagella associated protein 410; minus strand). Cytogenetic location: 21q22.3.
Variant type: single nucleotide variant.
Coding change: c.349C>T on transcript NM_004928.3 (MANE Select); coding-DNA position 349, C replaced by T.
Protein change: p.Arg117Cys; replaces arginine 117 with cysteine.
Molecular consequence: missense variant.
Genome position (GRCh38, 1-based): chr21:44,333,057, G>A on the plus strand (C>T on the coding strand, the complement: CFAP410 is on the minus strand). VCF-style: chr21-44333057-G-A. GRCh37 (hg19) VCF-style: chr21-45752940-G-A.
Other names: c.349C>T, p.Arg117Cys (NM_001271440.2, NM_001271441.2); c.226C>T, p.Arg76Cys (NM_001271442.1); short protein forms R117C, R76C.
Identifiers: ClinVar variation 1042464 (VCV001042464.4), dbSNP rs775496851, ClinGen allele CA10053715.

ClinVar aggregate classification (germline): Uncertain significance (1 of 4 stars; one submission).

Allele frequency attached by ClinVar (database versions not stated): gnomAD exomes 0.00001 and 0.00002; TOPMed 0.00001; ExAC 0.00003.
gnomAD v4.1: 7 of 1,598,994 alleles (0.00044%); highest among the groups gnomAD compares: South Asian, 0.0022%; no homozygotes.

Submission:

Labcorp Genetics (formerly Invitae), Labcorp
Classification: Uncertain significance. Last evaluated: 2022-08-23. Review status: criteria provided, single submitter. Criteria: Invitae Variant Classification Sherloc (09022015). Collection method: clinical testing. Allele origin: germline.
Comment: In summary, the available evidence is currently insufficient to determine the role of this variant in disease. Therefore, it has been classified as a Variant of Uncertain Significance. Algorithms developed to predict the effect of missense changes on protein structure and function are either unavailable or do not agree on the potential impact of this missense change (SIFT: "Deleterious"; PolyPhen-2: "Possibly Damaging"; Align-GVGD: "Class C15"). ClinVar contains an entry for this variant (Variation ID: 1042464). This variant has not been reported in the literature in individuals affected with CFAP410-related conditions. This variant is present in population databases (rs775496851, gnomAD 0.01%). This sequence change replaces arginine, which is basic and polar, with cysteine, which is neutral and slightly polar, at codon 117 of the CFAP410 protein (p.Arg117Cys).